The following is an entry in ClinVar:

NM_000368.5(TSC1):c.3018G>A (p.Gly1006=)

Gene: TSC1 (TSC complex subunit 1; minus strand). Cytogenetic location: 9q34.13.
Variant type: single nucleotide variant.
Coding change: c.3018G>A on transcript NM_000368.5 (MANE Select); coding-DNA position 3018, G replaced by A.
Protein change: p.Gly1006=; no amino-acid change (glycine 1006 retained).
Molecular consequence: synonymous variant. On other transcripts: non-coding transcript variant (5).
Genome position (GRCh38, 1-based): chr9:132,896,712, C>T on the plus strand (G>A on the coding strand, the complement: TSC1 is on the minus strand). VCF-style: chr9-132896712-C-T. GRCh37 (hg19) VCF-style: chr9-135772099-C-T.
Other names: c.3015G>A, p.Gly1005= (NM_001162426.2, NM_001406597.1, NM_001406598.1 and 2 more transcripts); c.2865G>A, p.Gly955= (NM_001162427.2, NM_001406610.1); c.2655G>A, p.Gly885= (NM_001362177.2, NM_001406614.1, NM_001406615.1 and 4 more transcripts); c.3018G>A, p.Gly1006= (NM_001406592.1, NM_001406593.1, NM_001406594.1 and 2 more transcripts); c.3003G>A, p.Gly1001= (NM_001406601.1, NM_001406602.1); c.3000G>A, p.Gly1000= (NM_001406603.1, NM_001406604.1); c.2976G>A, p.Gly992= (NM_001406605.1, NM_001406606.1, NM_001406607.1); c.2973G>A, p.Gly991= (NM_001406608.1, NM_001406609.1); and 8 more.
Identifiers: ClinVar variation 2851926 (VCV002851926.4), dbSNP rs910475358, ClinGen allele CA200925806.
Genomic context (GRCh38, chr9:132,896,712, plus strand): 5'-GGCGCTGCTGGGCCTGGGGGTCTTGGTCTCACCGTTGTGGCCAGATGCCTCTTCATTGTG[C>T]CCTACCATGGAATCTGAGCACCCGTCATTACAACAGTCAAGCCTGTAAGAAAGCCGGGGA-3'
Protein context (NP_000359.1, residues 996-1016): CNDGCSDSMV[Gly1006=]HNEEASGHNG

ClinVar aggregate classification (germline): Conflicting classifications of pathogenicity. Review status: criteria provided, conflicting classifications (1 of 4 stars). 2 submissions from 2 submitters: Uncertain significance (1); Likely benign (1). Last evaluated 2024-01-25.

Conditions:
Tuberous sclerosis 1 (TSC1). Identifiers: Orphanet 805, MedGen C1854465, MONDO:0008612, OMIM 191100.
Tuberous sclerosis syndrome (TSC). Also called: Tuberous sclerosis; Tuberous Sclerosis Complex. Identifiers: Orphanet 805, MedGen C0041341, MONDO:0001734.

Submissions (2):

Labcorp Genetics (formerly Invitae), Labcorp
Classification: Likely benign for Tuberous sclerosis 1. Last evaluated: 2024-01-25. Review status: criteria provided, single submitter. Criteria: Invitae Variant Classification Sherloc (09022015). Collection method: clinical testing. Allele origin: germline.

All of Us Research Program, National Institutes of Health
Classification: Uncertain significance for Tuberous sclerosis syndrome. Last evaluated: 2023-02-24. Review status: criteria provided, single submitter. Criteria: ACMG Guidelines, 2015. Collection method: clinical testing. Allele origin: germline. Inheritance: Autosomal dominant inheritance. Observed: 1 variant allele, 1 heterozygote.
Comment: This variant is located in the TSC1 protein. To our knowledge, functional studies have not been reported for this variant. This variant has not been reported in individuals affected with TSC1-related disorders in the literature. This variant has not been identified in the general population by the Genome Aggregation Database (gnomAD). The available evidence is insufficient to determine the role of this variant in disease conclusively. Therefore, this variant is classified as a Variant of Uncertain Significance.

This study involves interpretation of variants in research participants for the purpose of population health screening. Participant phenotype was not available at the time of variant classification. Additional details can be found in publication PMID: 35346344, PMCID: PMC8962531